The following is an entry in ClinVar:

ClinVar aggregate classification (germline): Uncertain significance (1 of 4 stars; one submission).

Conditions:
BBS9-related disorder. Also called: BBS9-related condition.

Submission:

PreventionGenetics, part of Exact Sciences
Classification: Uncertain significance for BBS9-related condition. Last evaluated: 2024-11-02. Review status: criteria provided, single submitter. Criteria: ACMG Guidelines, 2015. Collection method: clinical testing. Allele origin: germline.
Comment: The BBS9 c.1082C>T variant is predicted to result in the amino acid substitution p.Thr361Ile. To our knowledge, this variant has not been reported in the literature. This variant is reported in 0.0029% of alleles in individuals of Latino descent in gnomAD. At this time, the clinical significance of this variant is uncertain due to the absence of conclusive functional and genetic evidence.

NM_198428.3(BBS9):c.1082C>T (p.Thr361Ile)

Gene: BBS9 (Bardet-Biedl syndrome 9; plus strand). Cytogenetic location: 7p14.3.
Variant type: single nucleotide variant.
Coding change: c.1082C>T on transcript NM_198428.3 (MANE Select); coding-DNA position 1082, C replaced by T.
Protein change: p.Thr361Ile; replaces threonine 361 with isoleucine.
Molecular consequence: missense variant. On other transcripts: non-coding transcript variant (3).
Genome position (GRCh38, 1-based): chr7:33,336,506, C>T. VCF-style: chr7-33336506-C-T. GRCh37 (hg19) VCF-style: chr7-33376118-C-T.
Other names: c.1082C>T, p.Thr361Ile (NM_001033604.2, NM_001033605.2, NM_001348036.1 and 5 more transcripts); c.716C>T, p.Thr239Ile (NM_001348037.3, NM_001348044.3, NM_001348045.3 and 1 more transcripts); c.809C>T, p.Thr270Ile (NM_001348038.3, NM_001348039.3); c.947C>T, p.Thr316Ile (NM_001348042.3); short protein forms T239I, T270I, T361I, T316I.
Identifiers: ClinVar variation 4998250 (VCV004998250.1).